The following is an entry in ClinVar:

NM_000548.5(TSC2):c.539T>A (p.Leu180Gln)

Gene: TSC2 (TSC complex subunit 2; plus strand). Cytogenetic location: 16p13.3.
Variant type: single nucleotide variant.
Coding change: c.539T>A on transcript NM_000548.5 (MANE Select); coding-DNA position 539, T replaced by A.
Protein change: p.Leu180Gln; replaces leucine 180 with glutamine.
Molecular consequence: missense variant. On other transcripts: intron variant (1).
Genome position (GRCh38, 1-based): chr16:2,055,459, T>A. VCF-style: chr16-2055459-T-A. GRCh37 (hg19) VCF-style: chr16-2105460-T-A.
Other names: c.539T>A, p.Leu180Gln (NM_001077183.3, NM_001114382.3, NM_001363528.2 and 3 more transcripts); c.428T>A, p.Leu143Gln (NM_001318827.2); c.392T>A, p.Leu131Gln (NM_001318829.2); c.572T>A, p.Leu191Gln (NM_001318832.2); c.-1-737T>A (NM_001318831.2); short protein forms L143Q, L180Q, L131Q, L191Q.
Identifiers: ClinVar variation 825700 (VCV000825700.5), dbSNP rs1567403610, ClinGen allele CA394309414.

ClinVar aggregate classification (germline): Uncertain significance. Review status: criteria provided, multiple submitters, no conflicts (2 of 4 stars). 2 submissions from 2 submitters: Uncertain significance (2). Last evaluated 2025-10-28.

Conditions:
Hereditary cancer-predisposing syndrome. Also called: Neoplastic Syndromes, Hereditary; Hereditary Cancer Syndrome; Hereditary neoplastic syndrome; Tumor predisposition. Identifiers: Orphanet 140162, MedGen C0027672, MeSH D009386, MONDO:0015356.
Tuberous sclerosis 2 (TSC2). Identifiers: Orphanet 805, MedGen C1860707, MONDO:0013199, OMIM 613254.

Allele frequency attached by ClinVar (database versions not stated): gnomAD exomes below 0.00001.
gnomAD v4.1: 1 of 1,614,244 alleles (0.000062%); highest among the groups gnomAD compares: Non-Finnish European, 0.000085%; no homozygotes.

Submissions (2):

Labcorp Genetics (formerly Invitae), Labcorp
Classification: Uncertain significance for Tuberous sclerosis 2. Last evaluated: 2025-10-28. Review status: criteria provided, single submitter. Criteria: Invitae Variant Classification Sherloc (09022015). Collection method: clinical testing. Allele origin: germline.
Comment: This sequence change replaces leucine, which is neutral and non-polar, with glutamine, which is neutral and polar, at codon 180 of the TSC2 protein (p.Leu180Gln). This variant is not present in population databases (gnomAD no frequency). This variant has not been reported in the literature in individuals affected with TSC2-related conditions. ClinVar contains an entry for this variant (Variation ID: 825700). Invitae Evidence Modeling of protein sequence and biophysical properties (such as structural, functional, and spatial information, amino acid conservation, physicochemical variation, residue mobility, and thermodynamic stability) indicates that this missense variant is not expected to disrupt TSC2 protein function with a negative predictive value of 95%. Algorithms developed to predict the effect of sequence changes on RNA splicing suggest that this variant may disrupt the consensus splice site. In summary, the available evidence is currently insufficient to determine the role of this variant in disease. Therefore, it has been classified as a Variant of Uncertain Significance.

Ambry Genetics
Classification: Uncertain significance for Hereditary cancer-predisposing syndrome. Last evaluated: 2019-08-06. Review status: criteria provided, single submitter. Criteria: Ambry Variant Classification Scheme 2023. Collection method: clinical testing. Allele origin: germline.
Comment: The p.L180Q variant (also known as c.539T>A), located in coding exon 5 of the TSC2 gene, results from a T to A substitution at nucleotide position 539. The leucine at codon 180 is replaced by glutamine, an amino acid with dissimilar properties. This amino acid position is highly conserved in available vertebrate species. In addition, this alteration is predicted to be deleterious by in silico analysis. Since supporting evidence is limited at this time, the clinical significance of this alteration remains unclear.